The following is an entry in ClinVar:

NM_000751.3(CHRND):c.1186C>T (p.Arg396Cys)

Gene: CHRND (cholinergic receptor nicotinic delta subunit; plus strand). Cytogenetic location: 2q37.1.
Variant type: single nucleotide variant.
Coding change: c.1186C>T on transcript NM_000751.3 (MANE Select); coding-DNA position 1186, C replaced by T.
Protein change: p.Arg396Cys; replaces arginine 396 with cysteine.
Molecular consequence: missense variant.
Genome position (GRCh38, 1-based): chr2:232,534,069, C>T. VCF-style: chr2-232534069-C-T. GRCh37 (hg19) VCF-style: chr2-233398779-C-T.
Other names: c.1141C>T, p.Arg381Cys (NM_001256657.2); c.604C>T, p.Arg202Cys (NM_001311195.2); c.883C>T, p.Arg295Cys (NM_001311196.2); c.1186C>T (NM_000751.2); short protein forms R202C, R381C, R396C, R295C.
Identifiers: ClinVar variation 2147893 (VCV002147893.7), dbSNP rs1220106778, ClinGen allele CA351005209.
Genomic context (GRCh38, chr2:232,534,069, plus strand): 5'-CGGAGGAGCAGCTCCCTGGGATACATCTCCAAGGCCGAGGAGTACTTCCTGCTCAAGTCC[C>T]GCAGTGACCTCATGTTCGAGAAGCAGTCAGAGCGGCATGGGCTGGCCAGGCGCCTCACCA-3'
Protein context (NP_000742.1, residues 386-406): KAEEYFLLKS[Arg396Cys]SDLMFEKQSE

ClinVar aggregate classification (germline): Uncertain significance. Review status: criteria provided, multiple submitters, no conflicts (2 of 4 stars). 2 submissions from 2 submitters: Uncertain significance (2). Last evaluated 2023-06-26.

Conditions:
Lethal multiple pterygium syndrome (LMPS). Identifiers: Orphanet 33108, MedGen C1854678, MONDO:0009668, OMIM 253290.

Allele frequency attached by ClinVar (database versions not stated): gnomAD exomes 0.00001; TOPMed 0.00002; gnomAD 0.00003.
gnomAD v4.1: 17 of 1,614,008 alleles (0.0011%); highest among the groups gnomAD compares: African/African-American, 0.004%; no homozygotes.

Submissions (2):

Labcorp Genetics (formerly Invitae), Labcorp
Classification: Uncertain significance for Lethal multiple pterygium syndrome. Last evaluated: 2023-06-26. Review status: criteria provided, single submitter. Criteria: Invitae Variant Classification Sherloc (09022015). Collection method: clinical testing. Allele origin: germline.
Comment: This variant is present in population databases (no rsID available, gnomAD 0.004%). This variant has not been reported in the literature in individuals affected with CHRND-related conditions. In summary, the available evidence is currently insufficient to determine the role of this variant in disease. Therefore, it has been classified as a Variant of Uncertain Significance. Advanced modeling of protein sequence and biophysical properties (such as structural, functional, and spatial information, amino acid conservation, physicochemical variation, residue mobility, and thermodynamic stability) performed at Invitae indicates that this missense variant is not expected to disrupt CHRND protein function. ClinVar contains an entry for this variant (Variation ID: 2147893). This sequence change replaces arginine, which is basic and polar, with cysteine, which is neutral and slightly polar, at codon 396 of the CHRND protein (p.Arg396Cys).

Revvity Omics, Revvity
Classification: Uncertain significance. Last evaluated: 2019-05-20. Review status: criteria provided, single submitter. Criteria: ACMG Guidelines, 2015. Collection method: clinical testing. Allele origin: germline.